The following is an entry in ClinVar:

NM_001105206.3(LAMA4):c.3917A>C (p.Gln1306Pro)

Gene: LAMA4 (laminin subunit alpha 4; minus strand). Cytogenetic location: 6q21.
Variant type: single nucleotide variant.
Coding change: c.3917A>C on transcript NM_001105206.3 (MANE Select); coding-DNA position 3917, A replaced by C.
Protein change: p.Gln1306Pro; replaces glutamine 1306 with proline.
Molecular consequence: missense variant.
Genome position (GRCh38, 1-based): chr6:112,131,019, T>G on the plus strand (A>C on the coding strand, the complement: LAMA4 is on the minus strand). VCF-style: chr6-112131019-T-G. GRCh37 (hg19) VCF-style: chr6-112452221-T-G.
Other names: c.3896A>C, p.Gln1299Pro (NM_001105207.3, NM_002290.5); short protein forms Q1299P, Q1306P.
Identifiers: ClinVar variation 1466338 (VCV001466338.11), dbSNP rs1554329570, ClinGen allele CA365374098.

ClinVar aggregate classification (germline): Uncertain significance. Review status: criteria provided, multiple submitters, no conflicts (2 of 4 stars). 2 submissions from 2 submitters: Uncertain significance (2). Last evaluated 2025-09-16.

Conditions:
Cardiovascular phenotype. Identifiers: MedGen CN230736.
Dilated cardiomyopathy 1JJ (CMD1JJ). Identifiers: Orphanet 154, MedGen C3808935, MONDO:0014095, OMIM 615235.

Allele frequency attached by ClinVar (database versions not stated): gnomAD exomes below 0.00001 and 0.00001; TOPMed 0.00001.
gnomAD v4.1: 6 of 1,613,124 alleles (0.00037%); highest among the groups gnomAD compares: Non-Finnish European, 0.00051%; no homozygotes.

Submissions (2):

Labcorp Genetics (formerly Invitae), Labcorp
Classification: Uncertain significance for Dilated cardiomyopathy 1JJ. Last evaluated: 2025-09-16. Review status: criteria provided, single submitter. Criteria: Invitae Variant Classification Sherloc (09022015). Collection method: clinical testing. Allele origin: germline.
Comment: This sequence change replaces glutamine, which is neutral and polar, with proline, which is neutral and non-polar, at codon 1299 of the LAMA4 protein (p.Gln1299Pro). This variant is present in population databases (no rsID available, gnomAD 0.0009%). This variant has not been reported in the literature in individuals affected with LAMA4-related conditions. ClinVar contains an entry for this variant (Variation ID: 1466338). Invitae Evidence Modeling of protein sequence and biophysical properties (such as structural, functional, and spatial information, amino acid conservation, physicochemical variation, residue mobility, and thermodynamic stability) indicates that this missense variant is not expected to disrupt LAMA4 protein function with a negative predictive value of 80%. In summary, the available evidence is currently insufficient to determine the role of this variant in disease. Therefore, it has been classified as a Variant of Uncertain Significance.

Ambry Genetics
Classification: Uncertain significance for Cardiovascular phenotype. Last evaluated: 2024-10-08. Review status: criteria provided, single submitter. Criteria: Ambry Variant Classification Scheme 2023. Collection method: clinical testing. Allele origin: germline.
Comment: The p.Q1299P variant (also known as c.3896A>C), located in coding exon 28 of the LAMA4 gene, results from an A to C substitution at nucleotide position 3896. The glutamine at codon 1299 is replaced by proline, an amino acid with similar properties. This amino acid position is conserved. In addition, the in silico prediction for this alteration is inconclusive. Since supporting evidence is limited at this time, the clinical significance of this alteration remains unclear.